The following is an entry in ClinVar:

ClinVar aggregate classification (germline): Uncertain significance. Review status: criteria provided, multiple submitters, no conflicts (2 of 4 stars). 2 submissions from 2 submitters: Uncertain significance (2). Last evaluated 2024-05-31.

Conditions:
Dilated cardiomyopathy 1EE (CMD1EE). Identifiers: Orphanet 154, MedGen C2750466, MONDO:0013198, OMIM 613252.
Hypertrophic cardiomyopathy 14. Identifiers: MedGen C2750467, MONDO:0013197, OMIM 613251.
Atrial septal defect 3 (ASD3). Identifiers: Orphanet 1478, MedGen C3279790, MONDO:0013567, OMIM 614089.
Hypertrophic cardiomyopathy 1 (CMH1). Also called: MYH7-Related Familial Hypertrophic Cardiomyopathy; Familial hypertrophic cardiomyopathy 1. Identifiers: MedGen C3495498, MONDO:0008647, OMIM 192600.
Sick sinus syndrome 3, susceptibility to (SSS3). Identifiers: Orphanet 166282, MedGen C3279791, MONDO:0013568, OMIM 614090.

Submissions (2):

Labcorp Genetics (formerly Invitae), Labcorp
Classification: Uncertain significance for Hypertrophic cardiomyopathy 14. Last evaluated: 2024-05-31. Review status: criteria provided, single submitter. Criteria: Invitae Variant Classification Sherloc (09022015). Collection method: clinical testing. Allele origin: germline.
Comment: This sequence change replaces lysine, which is basic and polar, with asparagine, which is neutral and polar, at codon 67 of the MYH6 protein (p.Lys67Asn). This variant also falls at the last nucleotide of exon 3, which is part of the consensus splice site for this exon. This variant is not present in population databases (gnomAD no frequency). This variant has not been reported in the literature in individuals affected with MYH6-related conditions. ClinVar contains an entry for this variant (Variation ID: 1384882). An algorithm developed to predict the effect of missense changes on protein structure and function (PolyPhen-2) suggests that this variant is likely to be tolerated. Variants that disrupt the consensus splice site are a relatively common cause of aberrant splicing (PMID: 17576681, 9536098). In summary, the available evidence is currently insufficient to determine the role of this variant in disease. Therefore, it has been classified as a Variant of Uncertain Significance.

Fulgent Genetics
Classification: Uncertain significance for Hypertrophic cardiomyopathy 1; Hypertrophic cardiomyopathy 14; Dilated cardiomyopathy 1EE; Atrial septal defect 3; Sick sinus syndrome 3, susceptibility to. Last evaluated: 2022-03-03. Review status: criteria provided, single submitter. Criteria: ACMG Guidelines, 2015. Collection method: clinical testing. Allele origin: unknown.

Literature cited by the submitters: PubMed 17576681 (cited by Labcorp Genetics (formerly Invitae), Labcorp); PubMed 9536098 (cited by Labcorp Genetics (formerly Invitae), Labcorp).

NM_002471.4(MYH6):c.201G>C (p.Lys67Asn)

Genes: MYH6 (myosin heavy chain 6; minus strand), LOC114827851 (VISTA enhancer hs2155; plus strand). Cytogenetic location: 14q11.2.
Variant type: single nucleotide variant.
Coding change: c.201G>C on transcript NM_002471.4 (MANE Select); coding-DNA position 201, G replaced by C.
Protein change: p.Lys67Asn; replaces lysine 67 with asparagine.
Molecular consequence: missense variant.
Genome position (GRCh38, 1-based): chr14:23,407,023, C>G on the plus strand (G>C on the coding strand, the complement: MYH6 is on the minus strand). VCF-style: chr14-23407023-C-G. GRCh37 (hg19) VCF-style: chr14-23876232-C-G.
Other names: short protein forms K67N.
Identifiers: ClinVar variation 1384882 (VCV001384882.7), dbSNP rs757559746, ClinGen allele CA389031850.